The following is an entry in ClinVar:

NM_006245.4(PPP2R5D):c.632A>C (p.Gln211Pro)

Gene: PPP2R5D (protein phosphatase 2 regulatory subunit B'delta; plus strand). Cytogenetic location: 6p21.1.
Variant type: single nucleotide variant.
Coding change: c.632A>C on transcript NM_006245.4 (MANE Select); coding-DNA position 632, A replaced by C.
Protein change: p.Gln211Pro; replaces glutamine 211 with proline.
Molecular consequence: missense variant.
Genome position (GRCh38, 1-based): chr6:43,007,305, A>C. VCF-style: chr6-43007305-A-C. GRCh37 (hg19) VCF-style: chr6-42975043-A-C.
Other names: c.179A>C, p.Gln60Pro (NM_001270476.2); c.536A>C, p.Gln179Pro (NM_180976.3); c.314A>C, p.Gln105Pro (NM_180977.3); short protein forms Q105P, Q179P, Q211P, Q60P.
Identifiers: ClinVar variation 982374 (VCV000982374.9), dbSNP rs1762136390, ClinGen allele CA364185660.
Genomic context (GRCh38, chr6:43,007,305, plus strand): 5'-GGGCTGAGTTTGACCCAGAGGAAGATGAGCCCACCCTGGAAGCTGCTTGGCCACATCTCC[A>C]GGTACCAGGGCAAGGGGGCAGATTGGCCGTGGCTGCAGGGAGTGGGGCACTTGGAGGCCT-3'
Protein context (NP_006236.1, residues 201-221): PTLEAAWPHL[Gln211Pro]LVYEFFLRFL

ClinVar aggregate classification (germline): Conflicting classifications of pathogenicity. Review status: criteria provided, conflicting classifications (1 of 4 stars). 6 submissions from 6 submitters: Pathogenic (2); Likely pathogenic (3); Uncertain significance (1). Last evaluated 2023-09-20.

Conditions:
Houge-Janssens syndrome 1. Also called: Hogue-Janssens syndrome 1; Intellectual disability-macrocephaly-hypotonia-behavioral abnormalities syndrome; INTELLECTUAL DEVELOPMENTAL DISORDER, AUTOSOMAL DOMINANT 35; PPP2R5D-Related Neurodevelopmental Disorder. Identifiers: Orphanet 457279, MedGen C5779996, MONDO:0014602, OMIM 616355.
Genetic developmental and epileptic encephalopathy. Identifiers: MedGen CN379639, MONDO:0100062.

Submissions (6):

Center for Molecular Medicine, Children’s Hospital of Fudan University
Classification: Pathogenic for Houge-Janssens syndrome 1. Last evaluated: 2023-09-20. Review status: criteria provided, single submitter. Criteria: ACMG Guidelines, 2015. Collection method: clinical testing. Allele origin: unknown. Affected: yes.

Labcorp Genetics (formerly Invitae), Labcorp
Classification: Uncertain significance. Last evaluated: 2023-01-15. Review status: criteria provided, single submitter. Criteria: Invitae Variant Classification Sherloc (09022015). Collection method: clinical testing. Allele origin: germline.
Comment: This sequence change replaces glutamine, which is neutral and polar, with proline, which is neutral and non-polar, at codon 211 of the PPP2R5D protein (p.Gln211Pro). This variant is not present in population databases (gnomAD no frequency). In summary, the available evidence is currently insufficient to determine the role of this variant in disease. Therefore, it has been classified as a Variant of Uncertain Significance. Algorithms developed to predict the effect of missense changes on protein structure and function (SIFT, PolyPhen-2, Align-GVGD) all suggest that this variant is likely to be disruptive. ClinVar contains an entry for this variant (Variation ID: 982374). This variant has not been reported in the literature in individuals affected with PPP2R5D-related conditions.

Equipe Genetique des Anomalies du Developpement, Université de Bourgogne
Classification: Likely pathogenic for Houge-Janssens syndrome 1. Last evaluated: 2020-06-10. Review status: criteria provided, single submitter. Criteria: ACMG Guidelines, 2015. Collection method: clinical testing. Allele origin: de novo. Affected: yes.

Rady Children's Institute for Genomic Medicine, Rady Children's Hospital San Diego
Classification: Pathogenic for MENTAL RETARDATION, AUTOSOMAL DOMINANT 35. Last evaluated: 2019-07-09. Review status: criteria provided, single submitter. Criteria: ACMG Guidelines, 2015. Collection method: clinical testing. Allele origin: germline. Affected: yes.
Comment: This variant has not been previously reported or functionally characterized in the literature to our knowledge. It is absent from the ExAC and gnomAD population databases and thus is presumed to be rare. The c.632A>C (p.Gln211Pro) variant affects a highly conserved amino acid and is predicted by multiple in silico tools to have a deleterious effect on protein function. It localizes to the B56Î´ regulatory subunit in the PPP2R5D protein in close proximity to other previously reported Pathogenic variants (PMID: 26168268). Analysis of the parental samples was negative for the variant, indicating this variant likely occurred as a de novo event. Based on the available evidence, the c.632A>C (p.Gln211Pro) variant is classified as Pathogenic.

Baylor Genetics
Classification: Likely pathogenic for Houge-Janssens syndrome 1. Last evaluated: 2019-02-05. Review status: criteria provided, single submitter. Criteria: ACMG Guidelines, 2015. Collection method: clinical testing. Allele origin: de novo. Affected: yes.
Comment: This variant was determined to be likely pathogenic according to ACMG Guidelines, 2015 [PMID:25741868].

Cambridge Genomics Laboratory, East Genomic Laboratory Hub, NHS Genomic Medicine Service
Classification: Likely pathogenic for Genetic developmental and epileptic encephalopathy. Last evaluated: 2018-09-20. Review status: criteria provided, single submitter. Criteria: ACGS Best Practice Guidelines for Variant Classification in Rare Disease 2020. Collection method: clinical testing. Allele origin: germline. Affected: yes. Observed: 1 variant allele.